The following is an entry in ClinVar:

NM_007294.4(BRCA1):c.548-13G>T

Gene: BRCA1 (BRCA1 DNA repair associated; minus strand). Cytogenetic location: 17q21.31.
Variant type: single nucleotide variant.
Coding change: c.548-13G>T on transcript NM_007294.4 (MANE Select); 13 bases into the intron before coding-DNA position 548, G replaced by T.
Molecular consequence: intron variant.
Genome position (GRCh38, 1-based): chr17:43,097,302, C>A on the plus strand (G>T on the coding strand, the complement: BRCA1 is on the minus strand). VCF-style: chr17-43097302-C-A. GRCh37 (hg19) VCF-style: chr17-41249319-C-A.
Other names: IVS8-13G>T; c.407-13G>T (NM_001408458.1, NM_001408469.1, NM_001408453.1 and 43 more transcripts); c.-218-2442G>T (NM_001407967.1, NM_001407966.1); c.167-13G>T (NM_001407959.1, NM_001408510.1, NM_001407963.1 and 1 more transcripts); c.404-2442G>T (NM_001407931.1, NM_001407932.1, NM_001408503.1 and 5 more transcripts); c.404-13G>T (NM_001407747.1, NM_001408470.1, NM_001407848.1 and 26 more transcripts); c.164-13G>T (NM_001407962.1); c.167-2442G>T (NM_001408512.1, NM_001407965.1); and 18 more.
Identifiers: ClinVar variation 125884 (VCV000125884.14), dbSNP rs80358115, ClinGen allele CA003645.

ClinVar aggregate classification (germline): Likely benign. Review status: criteria provided, multiple submitters, no conflicts (2 of 4 stars). 4 submissions from 4 submitters: Likely benign (3). 1 of the submissions does not count toward it. Last evaluated 2025-08-26.

Conditions:
Hereditary cancer-predisposing syndrome. Also called: Tumor predisposition; Hereditary neoplastic syndrome; Hereditary Cancer Syndrome; Neoplastic Syndromes, Hereditary. Identifiers: Orphanet 140162, MedGen C0027672, MeSH D009386, MONDO:0015356.
Hereditary breast ovarian cancer syndrome. Also called: Hereditary breast and/or ovarian cancer syndrome; Breast and ovarian cancer; Hereditary breast and ovarian cancer syndrome; Hereditary breast and ovarian cancer; Hereditary breast and ovarian cancer syndrome (HBOC); BRCA1- and BRCA2-Associated Hereditary Breast and Ovarian Cancer. Identifiers: Orphanet 145, MedGen C0677776, MeSH D061325, MONDO:0003582. Disease mechanism: loss of function.
Breast-ovarian cancer, familial, susceptibility to, 1 (BROVCA1). Also called: BRCA1 Hereditary Breast and Ovarian Cancer; OVARIAN CANCER, SUSCEPTIBILITY TO. Identifiers: Orphanet 145, MedGen C2676676, MONDO:0011450, OMIM 604370. Disease mechanism: loss of function.

Allele frequency attached by ClinVar (database versions not stated): gnomAD exomes below 0.00001; ExAC 0.00001.
gnomAD v4.1: 1 of 1,609,782 alleles (0.000062%); highest among the groups gnomAD compares: Admixed American, 0.0017%; no homozygotes.

Submissions (4):

Color Diagnostics, LLC DBA Color Health
Classification: Likely benign for Hereditary cancer-predisposing syndrome. Last evaluated: 2025-08-26. Review status: criteria provided, single submitter. Criteria: ACMG Guidelines, 2015. Collection method: clinical testing. Allele origin: germline.

Labcorp Genetics (formerly Invitae), Labcorp
Classification: Likely benign for Hereditary breast ovarian cancer syndrome. Last evaluated: 2023-03-13. Review status: criteria provided, single submitter. Criteria: Invitae Variant Classification Sherloc (09022015). Collection method: clinical testing. Allele origin: germline.

GeneDx
Classification: Likely benign. Last evaluated: 2017-03-09. Review status: criteria provided, single submitter. Criteria: GeneDx Variant Classification (06012015). Collection method: clinical testing. Allele origin: germline. Affected: yes.
Comment: This variant is considered likely benign or benign based on one or more of the following criteria: it is a conservative change, it occurs at a poorly conserved position in the protein, it is predicted to be benign by multiple in silico algorithms, and/or has population frequency not consistent with disease.

Breast Cancer Information Core (BIC) (BRCA1)
Classification: Uncertain significance for Breast-ovarian cancer, familial 1. Last evaluated: 2004-02-20. Review status: no assertion criteria provided. Collection method: clinical testing. Allele origin: germline. Affected: yes. Observed: 1 variant allele. Not counted in ClinVar's aggregate classification.